The following is an entry in ClinVar:

ClinVar aggregate classification (germline): Uncertain significance. Review status: criteria provided, multiple submitters, no conflicts (2 of 4 stars). 2 submissions from 2 submitters: Uncertain significance (2). Last evaluated 2026-01-25.

Conditions:
Hereditary cancer-predisposing syndrome. Also called: Hereditary Cancer Syndrome; Tumor predisposition; Neoplastic Syndromes, Hereditary; Hereditary neoplastic syndrome. Identifiers: Orphanet 140162, MedGen C0027672, MeSH D009386, MONDO:0015356.
Gastrointestinal stromal tumor. Also called: Gastrointestinal stromal tumor, somatic; Gastrointestinal stroma tumor. Identifiers: Orphanet 44890, MedGen C0238198, MeSH D046152, MONDO:0011719, OMIM 606764, HP:0100723.

Allele frequency attached by ClinVar (database versions not stated): gnomAD exomes below 0.00001; TOPMed below 0.00001.

Submissions (2):

Labcorp Genetics (formerly Invitae), Labcorp
Classification: Uncertain significance for Gastrointestinal stromal tumor. Last evaluated: 2026-01-25. Review status: criteria provided, single submitter. Criteria: Invitae Variant Classification Sherloc (09022015). Collection method: clinical testing. Allele origin: germline.
Comment: This sequence change replaces threonine, which is neutral and polar, with alanine, which is neutral and non-polar, at codon 904 of the PDGFRA protein (p.Thr904Ala). This variant is not present in population databases (gnomAD no frequency). This variant has not been reported in the literature in individuals affected with PDGFRA-related conditions. ClinVar contains an entry for this variant (Variation ID: 641059). Invitae Evidence Modeling of protein sequence and biophysical properties (such as structural, functional, and spatial information, amino acid conservation, physicochemical variation, residue mobility, and thermodynamic stability) has been performed for this missense variant. However, the output from this modeling did not meet the statistical confidence thresholds required to predict the impact of this variant on PDGFRA protein function. In summary, the available evidence is currently insufficient to determine the role of this variant in disease. Therefore, it has been classified as a Variant of Uncertain Significance.

Ambry Genetics
Classification: Uncertain significance for Hereditary cancer-predisposing syndrome. Last evaluated: 2023-09-15. Review status: criteria provided, single submitter. Criteria: Ambry Variant Classification Scheme 2023. Collection method: clinical testing. Allele origin: germline.
Comment: The p.T904A variant (also known as c.2710A>G), located in coding exon 19 of the PDGFRA gene, results from an A to G substitution at nucleotide position 2710. The threonine at codon 904 is replaced by alanine, an amino acid with similar properties. This amino acid position is conserved. In addition, this alteration is predicted to be tolerated by in silico analysis. Since supporting evidence is limited at this time, the clinical significance of this alteration remains unclear.

NM_006206.6(PDGFRA):c.2710A>G (p.Thr904Ala)

Gene: PDGFRA (platelet derived growth factor receptor alpha; plus strand). Cytogenetic location: 4q12.
Variant type: single nucleotide variant.
Coding change: c.2710A>G on transcript NM_006206.6 (MANE Select); coding-DNA position 2710, A replaced by G.
Protein change: p.Thr904Ala; replaces threonine 904 with alanine.
Molecular consequence: missense variant.
Genome position (GRCh38, 1-based): chr4:54,288,834, A>G. VCF-style: chr4-54288834-A-G. GRCh37 (hg19) VCF-style: chr4-55155001-A-G.
Other names: c.2785A>G, p.Thr929Ala (NM_001347828.2); c.2710A>G, p.Thr904Ala (NM_001347829.2); c.2749A>G, p.Thr917Ala (NM_001347830.2); short protein forms T904A, T917A, T929A.
Identifiers: ClinVar variation 641059 (VCV000641059.10), dbSNP rs1577745995, ClinGen allele CA356895476.
Genomic context (GRCh38, chr4:54,288,834, plus strand): 5'-TGGTGTTTTATTGTTTGGCTTTTAGGTGGCACCCCTTACCCCGGCATGATGGTGGATTCT[A>G]CTTTCTACAATAAGATCAAGAGTGGGTACCGGATGGCCAAGCCTGACCACGCTACCAGTG-3'
Protein context (NP_006197.1, residues 894-914): TPYPGMMVDS[Thr904Ala]FYNKIKSGYR